The following is an entry in ClinVar:

NM_001042492.3(NF1):c.4590_4664del (p.Val1531_Ala1555del)

Gene: NF1 (neurofibromin 1; plus strand). Cytogenetic location: 17q11.2.
Variant type: Deletion.
Coding change: c.4590_4664del on transcript NM_001042492.3 (MANE Select); coding-DNA positions 4590 to 4664, 75 bases deleted.
Protein change: p.Val1531_Ala1555del.
Molecular consequence: inframe deletion. On other transcripts: inframe indel (1).
Genome position (GRCh38, 1-based): chr17:31,261,723-31,261,797, 75 bases deleted. GRCh37 (hg19): chr17:29,588,741-29,588,815.
Other names: c.4527_4601del75, p.Val1510_Ala1534del (NM_000267.4).
Identifiers: ClinVar variation 2133824 (VCV002133824.4), dbSNP rs2508429143, ClinGen allele CA2580093289.

ClinVar aggregate classification (germline): Pathogenic (1 of 4 stars; one submission).

Conditions:
Neurofibromatosis, type 1 (NF1). Also called: Peripheral type neurofibromatosis; NEUROFIBROMATOSIS, TYPE I, SOMATIC; Neurofibromatosis, type I; VON RECKLINGHAUSEN DISEASE. Identifiers: Orphanet 636, MedGen C0027831, MONDO:0018975, OMIM 162200. Disease mechanism: loss of function.

Submission:

Labcorp Genetics (formerly Invitae), Labcorp
Classification: Pathogenic for Neurofibromatosis, type 1. Last evaluated: 2022-05-04. Review status: criteria provided, single submitter. Criteria: Invitae Variant Classification Sherloc (09022015). Collection method: clinical testing. Allele origin: germline.
Comment: This variant, c.4527_4601del, results in the deletion of 25 amino acid(s) of the NF1 protein (p.Val1510_Ala1534del), but otherwise preserves the integrity of the reading frame. For these reasons, this variant has been classified as Pathogenic. This variant disrupts a region of the NF1 protein in which other variant(s) (p.Ala1519Pro) have been determined to be pathogenic (Invitae). This suggests that this is a clinically significant region of the protein, and that variants that disrupt it are likely to be disease-causing. Algorithms developed to predict the effect of sequence changes on RNA splicing suggest that this variant may disrupt the consensus splice site. This variant has not been reported in the literature in individuals affected with NF1-related conditions. This variant is not present in population databases (gnomAD no frequency).